The following is an entry in ClinVar:

NM_001378414.1(HDAC4):c.2869+4A>G

Gene: HDAC4 (histone deacetylase 4; minus strand). Cytogenetic location: 2q37.3.
Variant type: single nucleotide variant.
Coding change: c.2869+4A>G on transcript NM_001378414.1 (MANE Select); 4 bases into the intron after coding-DNA position 2869, A replaced by G.
Molecular consequence: intron variant.
Genome position (GRCh38, 1-based): chr2:239,068,485, T>C on the plus strand (A>G on the coding strand, the complement: HDAC4 is on the minus strand). VCF-style: chr2-239068485-T-C. GRCh37 (hg19) VCF-style: chr2-239990181-T-C.
Other names: c.2854+4A>G (NM_001378417.1, NM_001378416.1, NM_006037.4); c.2869+4A>G (NM_001378415.1); c.2710+4A>G (NM_001435993.1); c.2788+4A>G (NM_001435991.1, NM_001435992.1).
Identifiers: ClinVar variation 4738086 (VCV004738086.1).
Genomic context (GRCh38, chr2:239,068,485, plus strand): 5'-CGGAACACAGCGGATCATGGACATGAGCAGAACCGGCTCCTCAGTCATATGCAGAACCAC[T>C]TACATCTGGCGGAGAGGTTGTAGCCCCCAAGAGGGGTGGGGTGGCCCTCCACGGCATCGA-3'

ClinVar aggregate classification (germline): Uncertain significance (1 of 4 stars; one submission).

Submission:

Labcorp Genetics (formerly Invitae), Labcorp
Classification: Uncertain significance. Last evaluated: 2025-11-25. Review status: criteria provided, single submitter. Criteria: Invitae Variant Classification Sherloc (09022015). Collection method: clinical testing. Allele origin: germline.
Comment: This sequence change falls in intron 23 of the HDAC4 gene. It does not directly change the encoded amino acid sequence of the HDAC4 protein. It affects a nucleotide within the consensus splice site. This variant is not present in population databases (gnomAD no frequency). This variant has not been reported in the literature in individuals affected with HDAC4-related conditions. Variants that disrupt the consensus splice site are a relatively common cause of aberrant splicing (PMID: 17576681, 9536098). Algorithms developed to predict the effect of sequence changes on RNA splicing suggest that this variant is not likely to affect RNA splicing. In summary, the available evidence is currently insufficient to determine the role of this variant in disease. Therefore, it has been classified as a Variant of Uncertain Significance.

Literature cited by the submitters: PubMed 17576681; PubMed 9536098.